The following is an entry in ClinVar:

ClinVar aggregate classification (germline): Benign/Likely benign. Review status: criteria provided, multiple submitters, no conflicts (2 of 4 stars). 6 submissions from 6 submitters: Benign (1); Likely benign (5). Last evaluated 2025-06-04.

Conditions:
Tuberous sclerosis syndrome (TSC). Also called: Tuberous Sclerosis Complex; Tuberous sclerosis. Identifiers: Orphanet 805, MedGen C0041341, MONDO:0001734.
Tuberous sclerosis 2 (TSC2). Identifiers: Orphanet 805, MedGen C1860707, MONDO:0013199, OMIM 613254.
Hereditary cancer-predisposing syndrome. Also called: Tumor predisposition; Neoplastic Syndromes, Hereditary; Hereditary neoplastic syndrome; Hereditary Cancer Syndrome. Identifiers: Orphanet 140162, MedGen C0027672, MeSH D009386, MONDO:0015356.

Allele frequency attached by ClinVar (database versions not stated): TOPMed below 0.00001; ExAC 0.00002; gnomAD exomes 0.00002.
gnomAD v4.1: 23 of 1,610,526 alleles (0.0014%); highest among the groups gnomAD compares: Non-Finnish European, 0.0018%; no homozygotes.

Submissions (6):

Labcorp Genetics (formerly Invitae), Labcorp
Classification: Likely benign for Tuberous sclerosis 2. Last evaluated: 2025-06-04. Review status: criteria provided, single submitter. Criteria: Invitae Variant Classification Sherloc (09022015). Collection method: clinical testing. Allele origin: germline.

Myriad Genetics, Inc.
Classification: Benign for Tuberous sclerosis 2. Last evaluated: 2025-05-08. Review status: criteria provided, single submitter. Criteria: Myriad Autosomal Dominant, Autosomal Recessive and X-Linked Classification Criteria (2023). Collection method: clinical testing. Allele origin: unknown.
Comment: This variant is considered benign. This variant is a silent/synonymous amino acid change and it is not expected to impact splicing.

Blueprint Genetics
Classification: Likely benign. Last evaluated: 2024-02-20. Review status: criteria provided, single submitter. Criteria: ACMG Guidelines, 2015. Collection method: clinical testing. Allele origin: germline.

All of Us Research Program, National Institutes of Health
Classification: Likely benign for Tuberous sclerosis syndrome. Last evaluated: 2023-11-20. Review status: criteria provided, single submitter. Criteria: ACMG Guidelines, 2015. Collection method: clinical testing. Allele origin: germline. Inheritance: Autosomal dominant inheritance. Observed: 2 variant alleles, 2 heterozygotes.
Comment: This variant is located in the TSC2 protein. To our knowledge, functional studies have not been reported for this variant. This variant has not been reported in individuals affected with tuberous sclerosis complex in the literature. This variant has been identified in 4/248756 chromosomes in the general population by the Genome Aggregation Database (gnomAD). The available evidence is insufficient to determine the role of this variant in disease conclusively. Therefore, this variant is classified as a Variant of Uncertain Significance.

This study involves interpretation of variants in research participants for the purpose of population health screening. Participant phenotype was not available at the time of variant classification. Additional details can be found in publication PMID: 35346344, PMCID: PMC8962531

Color Diagnostics, LLC DBA Color Health
Classification: Likely benign for Tuberous sclerosis syndrome. Last evaluated: 2023-11-01. Review status: criteria provided, single submitter. Criteria: ACMG Guidelines, 2015. Collection method: clinical testing. Allele origin: germline.

Ambry Genetics
Classification: Likely benign for Hereditary cancer-predisposing syndrome. Last evaluated: 2015-12-24. Review status: criteria provided, single submitter. Criteria: Ambry Variant Classification Scheme 2023. Collection method: clinical testing. Allele origin: germline.

NM_000548.5(TSC2):c.651C>G (p.Val217=)

Gene: TSC2 (TSC complex subunit 2; plus strand). Cytogenetic location: 16p13.3.
Variant type: single nucleotide variant.
Coding change: c.651C>G on transcript NM_000548.5 (MANE Select); coding-DNA position 651, C replaced by G.
Protein change: p.Val217=; no amino-acid change (valine 217 retained).
Molecular consequence: synonymous variant.
Genome position (GRCh38, 1-based): chr16:2,056,646, C>G. VCF-style: chr16-2056646-C-G. GRCh37 (hg19) VCF-style: chr16-2106647-C-G.
Other names: c.651C>G, p.Val217= (NM_001077183.3, NM_001114382.3, NM_001363528.2 and 3 more transcripts); c.540C>G, p.Val180= (NM_001318827.2); c.504C>G, p.Val168= (NM_001318829.2); c.51C>G, p.Val17= (NM_001318831.2); c.684C>G, p.Val228= (NM_001318832.2).
Identifiers: ClinVar variation 705854 (VCV000705854.16), dbSNP rs780004703, ClinGen allele CA056052.